The following is an entry in ClinVar:

NM_001206927.2(DNAH8):c.1516-2A>C

Gene: DNAH8 (dynein axonemal heavy chain 8; plus strand). Cytogenetic location: 6p21.2.
Variant type: single nucleotide variant.
Coding change: c.1516-2A>C on transcript NM_001206927.2 (MANE Select); the canonical splice acceptor site of the intron before coding-DNA position 1516, A replaced by C.
Molecular consequence: splice acceptor variant.
Genome position (GRCh38, 1-based): chr6:38,761,700, A>C. VCF-style: chr6-38761700-A-C. GRCh37 (hg19) VCF-style: chr6-38729476-A-C.
Other names: c.865-2A>C (NM_001371.4).
Identifiers: ClinVar variation 641033 (VCV000641033.1), dbSNP rs200115379, ClinGen allele CA363986887.
Genomic context (GRCh38, chr6:38,761,700, plus strand): 5'-TTTATATATAAATGTTATTTCTCTTTTTACATATAATTATTTTGTACCTATATTTATTTC[A>C]GGTAACAAATCAAATGGTAACAGCATGTAAAGCATATATTACTGATGGAGGATTAAACCA-3'

ClinVar aggregate classification (germline): Likely pathogenic (1 of 4 stars; one submission).

Conditions:
Primary ciliary dyskinesia. Also called: Ciliary dyskinesia. Identifiers: Orphanet 244, MedGen C0008780, MONDO:0016575, HP:0012265.

Submission:

Labcorp Genetics (formerly Invitae), Labcorp
Classification: Likely pathogenic for Primary ciliary dyskinesia. Last evaluated: 2018-11-06. Review status: criteria provided, single submitter. Criteria: Invitae Variant Classification Sherloc (09022015). Collection method: clinical testing. Allele origin: germline.
Comment: This sequence change affects acceptor splice site in intron 10 of the DNAH8 gene. It is expected to disrupt RNA splicing and likely results in an absent or disrupted protein product. This variant is not present in population databases (ExAC no frequency). This variant has not been reported in the literature in individuals with DNAH8-related disease. Algorithms developed to predict the effect of sequence changes on RNA splicing suggest that this variant may disrupt the consensus splice site, but this prediction has not been confirmed by published transcriptional studies. Donor and acceptor splice site variants typically lead to a loss of protein function (PMID: 16199547), and loss-of-function variants in DNAH8 are known to be pathogenic (PMID: 24307375). In summary, the currently available evidence indicates that the variant is pathogenic, but additional data are needed to prove that conclusively. Therefore, this variant has been classified as Likely Pathogenic.

Literature cited by the submitters: PubMed 24307375.